The following is an entry in ClinVar:

ClinVar aggregate classification (germline): Uncertain significance. Review status: criteria provided, multiple submitters, no conflicts (2 of 4 stars). 2 submissions from 2 submitters: Uncertain significance (2). Last evaluated 2024-10-22.

Conditions:
Hereditary cancer-predisposing syndrome. Also called: Neoplastic Syndromes, Hereditary; Tumor predisposition; Hereditary Cancer Syndrome; Hereditary neoplastic syndrome. Identifiers: Orphanet 140162, MedGen C0027672, MeSH D009386, MONDO:0015356.
Haddad syndrome (OHD). Also called: Ondine-Hirschsprung disease. Identifiers: Orphanet 99803, MedGen C1859049, MONDO:0020493.

Allele frequency attached by ClinVar (database versions not stated): gnomAD exomes below 0.00001.
gnomAD v4.1: 1 of 1,609,164 alleles (0.000062%); highest among the groups gnomAD compares: Non-Finnish European, 0.000085%; no homozygotes.

Submissions (2):

Labcorp Genetics (formerly Invitae), Labcorp
Classification: Uncertain significance for Haddad syndrome. Last evaluated: 2024-10-22. Review status: criteria provided, single submitter. Criteria: Invitae Variant Classification Sherloc (09022015). Collection method: clinical testing. Allele origin: germline.
Comment: This sequence change replaces leucine, which is neutral and non-polar, with glutamine, which is neutral and polar, at codon 133 of the PHOX2B protein (p.Leu133Gln). This variant is not present in population databases (gnomAD no frequency). This variant has not been reported in the literature in individuals affected with PHOX2B-related conditions. ClinVar contains an entry for this variant (Variation ID: 467727). Invitae Evidence Modeling of protein sequence and biophysical properties (such as structural, functional, and spatial information, amino acid conservation, physicochemical variation, residue mobility, and thermodynamic stability) indicates that this missense variant is not expected to disrupt PHOX2B protein function with a negative predictive value of 80%. In summary, the available evidence is currently insufficient to determine the role of this variant in disease. Therefore, it has been classified as a Variant of Uncertain Significance.

Ambry Genetics
Classification: Uncertain significance for Hereditary cancer-predisposing syndrome. Last evaluated: 2022-11-06. Review status: criteria provided, single submitter. Criteria: Ambry Variant Classification Scheme 2023. Collection method: clinical testing. Allele origin: germline.
Comment: The p.L133Q variant (also known as c.398T>A), located in coding exon 2 of the PHOX2B gene, results from a T to A substitution at nucleotide position 398. The leucine at codon 133 is replaced by glutamine, an amino acid with dissimilar properties. This amino acid position is conserved. In addition, this alteration is predicted to be deleterious by in silico analysis. Since supporting evidence is limited at this time, the clinical significance of this alteration remains unclear.

NM_003924.4(PHOX2B):c.398T>A (p.Leu133Gln)

Gene: PHOX2B (paired like homeobox 2B; minus strand). Cytogenetic location: 4p13.
Variant type: single nucleotide variant.
Coding change: c.398T>A on transcript NM_003924.4 (MANE Select); coding-DNA position 398, T replaced by A.
Protein change: p.Leu133Gln; replaces leucine 133 with glutamine.
Molecular consequence: missense variant.
Genome position (GRCh38, 1-based): chr4:41,747,380, A>T on the plus strand (T>A on the coding strand, the complement: PHOX2B is on the minus strand). VCF-style: chr4-41747380-A-T. GRCh37 (hg19) VCF-style: chr4-41749397-A-T.
Other names: short protein forms L133Q.
Identifiers: ClinVar variation 467727 (VCV000467727.12), dbSNP rs1553898022, ClinGen allele CA356739890.